The following is an entry in ClinVar:

ClinVar aggregate classification (germline): Uncertain significance (1 of 4 stars; one submission).

Conditions:
Hereditary cancer-predisposing syndrome. Also called: Neoplastic Syndromes, Hereditary; Tumor predisposition; Hereditary neoplastic syndrome; Hereditary Cancer Syndrome. Identifiers: Orphanet 140162, MedGen C0027672, MeSH D009386, MONDO:0015356.

Submission:

Ambry Genetics
Classification: Uncertain significance for Hereditary cancer-predisposing syndrome. Last evaluated: 2026-07-06. Review status: criteria provided, single submitter. Criteria: Ambry Variant Classification Scheme 2023. Collection method: clinical testing. Allele origin: germline.
Comment: The p.Y231C variant (also known as c.692A>G), located in coding exon 6 of the PRKAR1A gene, results from an A to G substitution at nucleotide position 692. The tyrosine at codon 231 is replaced by cysteine, an amino acid with highly dissimilar properties. This amino acid position is conserved. In addition, this alteration is predicted to be deleterious by in silico analysis. Based on the available evidence, the clinical significance of this variant remains unclear.

NM_002734.5(PRKAR1A):c.692A>G (p.Tyr231Cys)

Gene: PRKAR1A (protein kinase cAMP-dependent type I regulatory subunit alpha; plus strand). Cytogenetic location: 17q24.2.
Variant type: single nucleotide variant.
Coding change: c.692A>G on transcript NM_002734.5 (MANE Select); coding-DNA position 692, A replaced by G.
Protein change: p.Tyr231Cys; replaces tyrosine 231 with cysteine.
Molecular consequence: missense variant.
Genome position (GRCh38, 1-based): chr17:68,525,896, A>G. VCF-style: chr17-68525896-A-G. GRCh37 (hg19) VCF-style: chr17-66522037-A-G.
Other names: c.692A>G, p.Tyr231Cys (NM_001276289.2, NM_001276290.1, NM_001278433.2 and 4 more transcripts); short protein forms Y231C.
Identifiers: ClinVar variation 5027291 (VCV005027291.1).